The following is an entry in ClinVar:

ClinVar aggregate classification (germline): Uncertain significance (1 of 4 stars; one submission).

Conditions:
Pheochromocytoma. Also called: MAX-Related Hereditary Paraganglioma-Pheochromocytoma Syndrome. Identifiers: Orphanet 29072, MedGen C0031511, MONDO:0008233, OMIM 171300, HP:0002666.
Pheochromocytoma/paraganglioma syndrome 4. Also called: CAROTID BODY TUMORS AND MULTIPLE EXTRAADRENAL PHEOCHROMOCYTOMAS; PARAGANGLIOMA, FAMILIAL MALIGNANT; PARAGANGLIOMAS, HEREDITARY EXTRAADRENAL; PHEOCHROMOCYTOMA, FAMILIAL EXTRAADRENAL; Paragangliomas 4; SDHB-Related Hereditary Paraganglioma-Pheochromocytoma Syndrome (Paragangliomas 4). Identifiers: Orphanet 29072, MedGen C1861848, MONDO:0007273, OMIM 115310.
Gastrointestinal stromal tumor. Also called: Gastrointestinal stromal tumor, somatic; Gastrointestinal stroma tumor. Identifiers: Orphanet 44890, MedGen C0238198, MeSH D046152, MONDO:0011719, OMIM 606764, HP:0100723.

Submission:

Labcorp Genetics (formerly Invitae), Labcorp
Classification: Uncertain significance for Gastrointestinal stromal tumor; Pheochromocytoma/paraganglioma syndrome 4; Pheochromocytoma. Last evaluated: 2024-07-30. Review status: criteria provided, single submitter. Criteria: Invitae Variant Classification Sherloc (09022015). Collection method: clinical testing. Allele origin: germline.
Comment: This sequence change replaces lysine, which is basic and polar, with glutamine, which is neutral and polar, at codon 55 of the SDHB protein (p.Lys55Gln). This variant is not present in population databases (gnomAD no frequency). This variant has not been reported in the literature in individuals affected with SDHB-related conditions. Advanced modeling of protein sequence and biophysical properties (such as structural, functional, and spatial information, amino acid conservation, physicochemical variation, residue mobility, and thermodynamic stability) performed at Invitae indicates that this missense variant is not expected to disrupt SDHB protein function with a negative predictive value of 80%. In summary, the available evidence is currently insufficient to determine the role of this variant in disease. Therefore, it has been classified as a Variant of Uncertain Significance.

NM_003000.3(SDHB):c.163A>C (p.Lys55Gln)

Gene: SDHB (succinate dehydrogenase complex iron sulfur subunit B; minus strand). Cytogenetic location: 1p36.13.
Variant type: single nucleotide variant.
Coding change: c.163A>C on transcript NM_003000.3 (MANE Select); coding-DNA position 163, A replaced by C.
Protein change: p.Lys55Gln; replaces lysine 55 with glutamine.
Molecular consequence: missense variant.
Genome position (GRCh38, 1-based): chr1:17,044,798, T>G on the plus strand (A>C on the coding strand, the complement: SDHB is on the minus strand). VCF-style: chr1-17044798-T-G. GRCh37 (hg19) VCF-style: chr1-17371293-T-G.
Other names: c.163A>C, p.Lys55Gln (NM_001407361.1); short protein forms K55Q.
Identifiers: ClinVar variation 3757470 (VCV003757470.2).